The following is an entry in ClinVar:

ClinVar aggregate classification (germline): Uncertain significance. Review status: criteria provided, multiple submitters, no conflicts (2 of 4 stars). 2 submissions from 2 submitters: Uncertain significance (2). Last evaluated 2025-08-12.

Conditions:
Neuroblastoma, susceptibility to, 3. Also called: ALK-Related Neuroblastic Tumor Susceptibility. Identifiers: Orphanet 635, MedGen C2751681, MONDO:0013083, OMIM 613014.
Hereditary cancer-predisposing syndrome. Also called: Neoplastic Syndromes, Hereditary; Hereditary neoplastic syndrome; Hereditary Cancer Syndrome; Tumor predisposition. Identifiers: Orphanet 140162, MedGen C0027672, MeSH D009386, MONDO:0015356.

gnomAD v4.1: 1 of 1,613,788 alleles (0.000062%); no homozygotes.

Submissions (2):

Ambry Genetics
Classification: Uncertain significance for Hereditary cancer-predisposing syndrome. Last evaluated: 2025-08-12. Review status: criteria provided, single submitter. Criteria: Ambry Variant Classification Scheme 2023. Collection method: clinical testing. Allele origin: germline.
Comment: The p.G318A variant (also known as c.953G>C) is located in coding exon 4 of the ALK gene. The glycine at codon 318 is replaced by alanine, an amino acid with similar properties. This change occurs in the first base pair of coding exon 4. This amino acid position is highly conserved in available vertebrate species. In addition, the in silico prediction for this alteration is inconclusive. Based on the available evidence, the clinical significance of this variant remains unclear.

Labcorp Genetics (formerly Invitae), Labcorp
Classification: Uncertain significance for Neuroblastoma, susceptibility to, 3. Last evaluated: 2025-01-30. Review status: criteria provided, single submitter. Criteria: Invitae Variant Classification Sherloc (09022015). Collection method: clinical testing. Allele origin: germline.
Comment: This sequence change replaces glycine, which is neutral and non-polar, with alanine, which is neutral and non-polar, at codon 318 of the ALK protein (p.Gly318Ala). This variant is present in population databases (rs770893847, gnomAD 0.01%). This variant has not been reported in the literature in individuals affected with ALK-related conditions. ClinVar contains an entry for this variant (Variation ID: 2147979). An algorithm developed to predict the effect of missense changes on protein structure and function (PolyPhen-2) suggests that this variant is likely to be disruptive. In summary, the available evidence is currently insufficient to determine the role of this variant in disease. Therefore, it has been classified as a Variant of Uncertain Significance.

NM_004304.5(ALK):c.953G>C (p.Gly318Ala)

Gene: ALK (ALK receptor tyrosine kinase; minus strand). Cytogenetic location: 2p23.2.
Variant type: single nucleotide variant.
Coding change: c.953G>C on transcript NM_004304.5 (MANE Select); coding-DNA position 953, G replaced by C.
Protein change: p.Gly318Ala; replaces glycine 318 with alanine.
Molecular consequence: missense variant.
Genome position (GRCh38, 1-based): chr2:29,532,116, C>G on the plus strand (G>C on the coding strand, the complement: ALK is on the minus strand). VCF-style: chr2-29532116-C-G. GRCh37 (hg19) VCF-style: chr2-29754982-C-G.
Other names: c.953G>C (NM_004304.4); short protein forms G318A.
Identifiers: ClinVar variation 2147979 (VCV002147979.5), dbSNP rs770893847, ClinGen allele CA1594789.